The following is an entry in ClinVar:

NM_002528.7(NTHL1):c.241C>G (p.Pro81Ala)

Gene: NTHL1 (nth like DNA glycosylase 1; minus strand). Cytogenetic location: 16p13.3.
Variant type: single nucleotide variant.
Coding change: c.241C>G on transcript NM_002528.7 (MANE Select); coding-DNA position 241, C replaced by G.
Protein change: p.Pro81Ala; replaces proline 81 with alanine.
Molecular consequence: missense variant. On other transcripts: intron variant (1).
Genome position (GRCh38, 1-based): chr16:2,046,241, G>C on the plus strand (C>G on the coding strand, the complement: NTHL1 is on the minus strand). VCF-style: chr16-2046241-G-C. GRCh37 (hg19) VCF-style: chr16-2096242-G-C.
Other names: c.24+39C>G (NM_001318194.2); c.265C>G (NM_002528.6); c.241C>G, p.Pro81Ala (NM_001318193.2); short protein forms P81A.
Identifiers: ClinVar variation 1006612 (VCV001006612.14), dbSNP rs1397863507, ClinGen allele CA394297214.
Genomic context (GRCh38, chr16:2,046,241, plus strand): 5'-GTGCATCCTTTTTGTTCCTCATGGCACGGATGTTGACCAGCTGTTGCTGCCAGTCCTGGG[G>C]CTCCCAGACTGGCACCTTGAGGGGCTCAGCCCCCTCACCTTTCTCACTGTCCGAGCCCTC-3'
Protein context (NP_002519.2, residues 71-91): AEPLKVPVWE[Pro81Ala]QDWQQQLVNI

ClinVar aggregate classification (germline): Uncertain significance. Review status: criteria provided, multiple submitters, no conflicts (2 of 4 stars). 5 submissions from 5 submitters: Uncertain significance (5). Last evaluated 2025-09-24.

Conditions:
Familial adenomatous polyposis 3. Also called: NTHL1-related attenuated familial adenomatous polyposis; NTHL1 Tumor Syndrome; NTHL1-associated polyposis; NTHL1-Related Adenomatous Polyposis and Colorectal Cancer. Identifiers: Orphanet 220460, Orphanet 454840, MedGen C4225157, MONDO:0014630, OMIM 616415.
Hereditary cancer-predisposing syndrome. Also called: Neoplastic Syndromes, Hereditary; Hereditary Cancer Syndrome; Hereditary neoplastic syndrome; Tumor predisposition. Identifiers: Orphanet 140162, MedGen C0027672, MeSH D009386, MONDO:0015356.

Allele frequency attached by ClinVar (database versions not stated): TOPMed below 0.00001.
gnomAD v4.1: 1 of 1,613,232 alleles (0.000062%); no homozygotes.

Submissions (5):

Labcorp Genetics (formerly Invitae), Labcorp
Classification: Uncertain significance. Last evaluated: 2025-09-24. Review status: criteria provided, single submitter. Criteria: Invitae Variant Classification Sherloc (09022015). Collection method: clinical testing. Allele origin: germline.
Comment: This sequence change replaces proline, which is neutral and non-polar, with alanine, which is neutral and non-polar, at codon 89 of the NTHL1 protein (p.Pro89Ala). This variant is not present in population databases (gnomAD no frequency). This variant has not been reported in the literature in individuals affected with NTHL1-related conditions. ClinVar contains an entry for this variant (Variation ID: 1006612). An algorithm developed to predict the effect of missense changes on protein structure and function (PolyPhen-2) suggests that this variant is likely to be disruptive. In summary, the available evidence is currently insufficient to determine the role of this variant in disease. Therefore, it has been classified as a Variant of Uncertain Significance.

Ambry Genetics
Classification: Uncertain significance for Hereditary cancer-predisposing syndrome. Last evaluated: 2025-08-19. Review status: criteria provided, single submitter. Criteria: Ambry Variant Classification Scheme 2023. Collection method: clinical testing. Allele origin: germline.
Comment: The p.P89A variant (also known as c.265C>G), located in coding exon 2 of the NTHL1 gene, results from a C to G substitution at nucleotide position 265. The proline at codon 89 is replaced by alanine, an amino acid with highly similar properties. This amino acid position is conserved. In addition, the in silico prediction for this alteration is inconclusive. Since supporting evidence is limited at this time, the clinical significance of this alteration remains unclear.

Baylor Genetics
Classification: Uncertain significance for Familial adenomatous polyposis 3. Last evaluated: 2024-03-24. Review status: criteria provided, single submitter. Criteria: ACMG Guidelines, 2015. Collection method: clinical testing. Allele origin: unknown.

St. Jude Molecular Pathology, St. Jude Children's Research Hospital
Classification: Uncertain significance for Familial adenomatous polyposis 3. Last evaluated: 2022-11-30. Review status: criteria provided, single submitter. Criteria: St. Jude Assertion Criteria 2020. Collection method: clinical testing. Allele origin: germline.
Comment: The NTHL1 c.265C>G (p.Pro89Ala) missense change is absent in gnomAD v2.1.1. The in silico tool REVEL is inconclusive about a pathogenic or benign effect of this variant on protein function, and to our knowledge functional studies have not been performed. To our knowledge, this variant has not been reported in individuals with NTHL1-associated polyposis. In summary, the evidence currently available is insufficient to determine the clinical significance of this variant. It has therefore been classified as of uncertain significance.

Sema4
Classification: Uncertain significance for Hereditary cancer-predisposing syndrome. Last evaluated: 2022-02-16. Review status: criteria provided, single submitter. Criteria: Sema4 Curation Guidelines. Collection method: curation. Allele origin: germline.
Comment: The NTHL1 c.265C>G (p.P89A) variant has not been reported in the literature to our knowledge. This variant is not reported in the population database Genome Aggregation Database (PMID: 32461654). The variant has been reported in ClinVar (Variation ID: 1006612). Functional studies have not been performed, and in silico predictions of the variant's effect on protein function are inconclusive. The evidence is insufficient to meet ACMG/AMP criteria for classifying the variant as benign or pathogenic. Thus, the clinical significance of this variant is currently uncertain.